The following is an entry in ClinVar:

ClinVar aggregate classification (germline): Uncertain significance (1 of 4 stars; one submission).

Conditions:
Inborn genetic diseases. Identifiers: MedGen C0950123, MeSH D030342.

Submission:

Ambry Genetics
Classification: Uncertain significance for Inborn genetic diseases. Last evaluated: 2025-05-05. Review status: criteria provided, single submitter. Criteria: Ambry Variant Classification Scheme 2023. Collection method: clinical testing. Allele origin: germline.
Comment: The p.P577S variant (also known as c.1729C>T), located in coding exon 19 of the FANCA gene, results from a C to T substitution at nucleotide position 1729. The proline at codon 577 is replaced by serine, an amino acid with similar properties. This amino acid position is conserved. In addition, this alteration is predicted to be tolerated by in silico analysis. Based on the available evidence, the clinical significance of this variant remains unclear.

NM_000135.4(FANCA):c.1729C>T (p.Pro577Ser)

Gene: FANCA (FA complementation group A; minus strand). Cytogenetic location: 16q24.3.
Variant type: single nucleotide variant.
Coding change: c.1729C>T on transcript NM_000135.4 (MANE Select); coding-DNA position 1729, C replaced by T.
Protein change: p.Pro577Ser; replaces proline 577 with serine.
Molecular consequence: missense variant.
Genome position (GRCh38, 1-based): chr16:89,778,990, G>A on the plus strand (C>T on the coding strand, the complement: FANCA is on the minus strand). VCF-style: chr16-89778990-G-A. GRCh37 (hg19) VCF-style: chr16-89845398-G-A.
Other names: c.1729C>T, p.Pro577Ser (NM_001286167.3); short protein forms P577S.
Identifiers: ClinVar variation 4022241 (VCV004022241.1).